The following is an entry in ClinVar:

NM_001128840.3(CACNA1D):c.4950T>G (p.Ile1650Met)

Gene: CACNA1D (calcium voltage-gated channel subunit alpha1 D; plus strand). Cytogenetic location: 3p21.1.
Variant type: single nucleotide variant.
Coding change: c.4950T>G on transcript NM_001128840.3 (MANE Select); coding-DNA position 4950, T replaced by G.
Protein change: p.Ile1650Met; replaces isoleucine 1650 with methionine.
Molecular consequence: missense variant.
Genome position (GRCh38, 1-based): chr3:53,800,275, T>G. VCF-style: chr3-53800275-T-G. GRCh37 (hg19) VCF-style: chr3-53834302-T-G.
Other names: c.5010T>G, p.Ile1670Met (NM_000720.4); c.4905T>G, p.Ile1635Met (NM_001128839.3); short protein forms I1635M, I1650M, I1670M.
Identifiers: ClinVar variation 2888413 (VCV002888413.3), dbSNP rs1174536575, ClinGen allele CA353249545.

ClinVar aggregate classification (germline): Uncertain significance (1 of 4 stars; one submission).

Allele frequency attached by ClinVar (database versions not stated): TOPMed below 0.00001; gnomAD 0.00001.
gnomAD v4.1: 3 of 1,613,802 alleles (0.00019%); highest among the groups gnomAD compares: Non-Finnish European, 0.00025%; no homozygotes.

Submission:

Labcorp Genetics (formerly Invitae), Labcorp
Classification: Uncertain significance. Last evaluated: 2023-10-22. Review status: criteria provided, single submitter. Criteria: Invitae Variant Classification Sherloc (09022015). Collection method: clinical testing. Allele origin: germline.
Comment: This sequence change replaces isoleucine, which is neutral and non-polar, with methionine, which is neutral and non-polar, at codon 1670 of the CACNA1D protein (p.Ile1670Met). This variant is present in population databases (no rsID available, gnomAD 0.0009%). This variant has not been reported in the literature in individuals affected with CACNA1D-related conditions. An algorithm developed to predict the effect of missense changes on protein structure and function (PolyPhen-2) suggests that this variant is likely to be disruptive. In summary, the available evidence is currently insufficient to determine the role of this variant in disease. Therefore, it has been classified as a Variant of Uncertain Significance.